The following is an entry in ClinVar:

ClinVar aggregate classification (germline): Uncertain significance. Review status: criteria provided, multiple submitters, no conflicts (2 of 4 stars). 2 submissions from 2 submitters: Uncertain significance (2). Last evaluated 2021-08-16.

Allele frequency attached by ClinVar (database versions not stated): gnomAD exomes below 0.00001.
gnomAD v4.1: 3 of 1,574,576 alleles (0.00019%); highest among the groups gnomAD compares: Non-Finnish European, 0.00026%; no homozygotes.

Submissions (2):

Blueprint Genetics
Classification: Uncertain significance. Last evaluated: 2021-08-16. Review status: criteria provided, single submitter. Criteria: ACMG Guidelines, 2015. Collection method: clinical testing. Allele origin: germline.

Labcorp Genetics (formerly Invitae), Labcorp
Classification: Uncertain significance. Last evaluated: 2021-02-10. Review status: criteria provided, single submitter. Criteria: Invitae Variant Classification Sherloc (09022015). Collection method: clinical testing. Allele origin: germline.
Comment: This sequence change falls in intron 6 of the TCIRG1 gene. It does not directly change the encoded amino acid sequence of the TCIRG1 protein. It affects a nucleotide within the consensus splice site of the intron. This variant is not present in population databases (ExAC no frequency). This variant has not been reported in the literature in individuals with TCIRG1-related conditions. Nucleotide substitutions within the consensus splice site are a relatively common cause of aberrant splicing (PMID: 17576681, 9536098). Algorithms developed to predict the effect of sequence changes on RNA splicing suggest that this variant may disrupt the consensus splice site, but this prediction has not been confirmed by published transcriptional studies. In summary, the available evidence is currently insufficient to determine the role of this variant in disease. Therefore, it has been classified as a Variant of Uncertain Significance.

Literature cited by the submitters: PubMed 17576681 (cited by Labcorp Genetics (formerly Invitae), Labcorp); PubMed 9536098 (cited by Labcorp Genetics (formerly Invitae), Labcorp).

NM_006019.4(TCIRG1):c.630+5G>A

Gene: TCIRG1 (T cell immune regulator 1, ATPase H+ transporting V0 subunit a3; plus strand). Cytogenetic location: 11q13.2.
Variant type: single nucleotide variant.
Coding change: c.630+5G>A on transcript NM_006019.4 (MANE Select); 5 bases into the intron after coding-DNA position 630, G replaced by A.
Molecular consequence: intron variant.
Genome position (GRCh38, 1-based): chr11:68,043,502, G>A. VCF-style: chr11-68043502-G-A. GRCh37 (hg19) VCF-style: chr11-67810969-G-A.
Other names: c.-281+5G>A (NM_001351059.2); c.-19+5G>A (NM_006053.4).
Identifiers: ClinVar variation 1401587 (VCV001401587.4), dbSNP rs1384634155, ClinGen allele CA600238633.